The following is an entry in ClinVar:

NM_000030.3(AGXT):c.525-2A>G

Gene: AGXT (alanine--glyoxylate aminotransferase; plus strand). Cytogenetic location: 2q37.3.
Variant type: single nucleotide variant.
Coding change: c.525-2A>G on transcript NM_000030.3 (MANE Select); the canonical splice acceptor site of the intron before coding-DNA position 525, A replaced by G.
Molecular consequence: splice acceptor variant.
Genome position (GRCh38, 1-based): chr2:240,872,977, A>G. VCF-style: chr2-240872977-A-G. GRCh37 (hg19) VCF-style: chr2-241812394-A-G.
Identifiers: ClinVar variation 1362799 (VCV001362799.8), dbSNP rs1452455390, ClinGen allele CA351316487.

ClinVar aggregate classification (germline): Pathogenic (1 of 4 stars; one submission).

gnomAD v4.1: 2 of 1,613,684 alleles (0.00012%); highest among the groups gnomAD compares: East Asian, 0.0045%; no homozygotes.

Submission:

Labcorp Genetics (formerly Invitae), Labcorp
Classification: Pathogenic. Last evaluated: 2021-12-22. Review status: criteria provided, single submitter. Criteria: Invitae Variant Classification Sherloc (09022015). Collection method: clinical testing. Allele origin: germline.
Comment: Algorithms developed to predict the effect of sequence changes on RNA splicing suggest that this variant may disrupt the consensus splice site. This sequence change affects an acceptor splice site in intron 4 of the AGXT gene. It is expected to disrupt RNA splicing. Variants that disrupt the donor or acceptor splice site typically lead to a loss of protein function (PMID: 16199547), and loss-of-function variants in AGXT are known to be pathogenic (PMID: 19479957). This variant is not present in population databases (gnomAD no frequency). Disruption of this splice site has been observed in individuals with primary hyperoxaluria type 1 (PMID: 10862087, 17460142). For these reasons, this variant has been classified as Pathogenic.

Literature cited by the submitters: PubMed 16199547; PubMed 19479957; PubMed 10862087; PubMed 17460142.